The following is an entry in ClinVar:

NM_001165963.4(SCN1A):c.2956C>G (p.Leu986Val)

Gene: SCN1A (sodium voltage-gated channel alpha subunit 1; minus strand). Cytogenetic location: 2q24.3.
Variant type: single nucleotide variant.
Coding change: c.2956C>G on transcript NM_001165963.4 (MANE Select); coding-DNA position 2956, C replaced by G.
Protein change: p.Leu986Val; replaces leucine 986 with valine.
Molecular consequence: missense variant. On other transcripts: non-coding transcript variant (1).
Genome position (GRCh38, 1-based): chr2:166,036,521, G>C on the plus strand (C>G on the coding strand, the complement: SCN1A is on the minus strand). VCF-style: chr2-166036521-G-C. GRCh37 (hg19) VCF-style: chr2-166893031-G-C.
Other names: c.2872C>G, p.Leu958Val (NM_001165964.3, NM_001353957.2, NM_001353958.2); c.2956C>G, p.Leu986Val (NM_001202435.3, NM_001353948.2); c.2923C>G, p.Leu975Val (NM_001353949.2, NM_001353950.2, NM_001353951.2 and 2 more transcripts); c.2920C>G, p.Leu974Val (NM_001353954.2, NM_001353955.2); c.2869C>G, p.Leu957Val (NM_001353960.2); c.514C>G, p.Leu172Val (NM_001353961.2); short protein forms L172V, L957V, L958V, L974V, L975V, L986V.
Identifiers: ClinVar variation 3774334 (VCV003774334.1).

ClinVar aggregate classification (germline): Pathogenic (1 of 4 stars; one submission).

Conditions:
Developmental and epileptic encephalopathy 6B. Also called: Developmental and epileptic encephalopathy 6B, non-Dravet. Identifiers: MedGen C5543353, MONDO:0030268, OMIM 619317.

Submission:

Department of Child Neurology, National Center Hospital, National Center of Neurology and Psychiatry
Classification: Pathogenic for Developmental and epileptic encephalopathy 6B. Last evaluated: 2024-12-16. Review status: criteria provided, single submitter. Criteria: ACMG Guidelines, 2015. Collection method: clinical testing. Allele origin: de novo. Inheritance: Sporadic. Affected: yes. Observed: 1 variant allele.
Comment: This variant introduces a premature stop codon, resulting in a truncating variant and is predicted to undergo nonsense-mediated mRNA decay (NMD). This variant was predicted to be deleterious by multiple in silico tools. Based on the American College of Medical Genetics and Genomics (ACMG) standards and guidelines, as well as recommendations from the ClinGen Sequence Variant Interpretation Working Group, this variant was classified as pathogenic.